The following is an entry in ClinVar:

NM_001036.6(RYR3):c.12029G>A (p.Arg4010His)

Gene: RYR3 (ryanodine receptor 3; plus strand). Cytogenetic location: 15q14.
Variant type: single nucleotide variant.
Coding change: c.12029G>A on transcript NM_001036.6 (MANE Select); coding-DNA position 12029, G replaced by A.
Protein change: p.Arg4010His; replaces arginine 4010 with histidine.
Molecular consequence: missense variant.
Genome position (GRCh38, 1-based): chr15:33,838,009, G>A. VCF-style: chr15-33838009-G-A. GRCh37 (hg19) VCF-style: chr15-34130210-G-A.
Other names: c.12014G>A, p.Arg4005His (NM_001243996.4); c.12029G>A (NM_001036.5); short protein forms R4010H, R4005H.
Identifiers: ClinVar variation 575445 (VCV000575445.12), dbSNP rs202140253, ClinGen allele CA7461345.

ClinVar aggregate classification (germline): Uncertain significance. Review status: criteria provided, multiple submitters, no conflicts (2 of 4 stars). 2 submissions from 2 submitters: Uncertain significance (2). Last evaluated 2023-08-24.

Conditions:
Epileptic encephalopathy. Identifiers: MedGen C0543888, HP:0200134.
Congenital myopathy 20 (CMYO20). Identifiers: MedGen C5830393, MONDO:0957215, OMIM 620310.

Allele frequency attached by ClinVar (database versions not stated): gnomAD exomes 0.00012 and 0.00015; ExAC 0.00014; ESP Exome Variant Server 0.00016; gnomAD 0.00019 and 0.00020; TOPMed 0.00021.
gnomAD v4.1: 246 of 1,613,860 alleles (0.015%); highest among the groups gnomAD compares: African/African-American, 0.031%; no homozygotes.

Submissions (2):

Labcorp Genetics (formerly Invitae), Labcorp
Classification: Uncertain significance for Epileptic encephalopathy. Last evaluated: 2023-08-24. Review status: criteria provided, single submitter. Criteria: Invitae Variant Classification Sherloc (09022015). Collection method: clinical testing. Allele origin: germline.
Comment: In summary, the available evidence is currently insufficient to determine the role of this variant in disease. Therefore, it has been classified as a Variant of Uncertain Significance. Advanced modeling of protein sequence and biophysical properties (such as structural, functional, and spatial information, amino acid conservation, physicochemical variation, residue mobility, and thermodynamic stability) performed at Invitae indicates that this missense variant is expected to disrupt RYR3 protein function. ClinVar contains an entry for this variant (Variation ID: 575445). This variant has not been reported in the literature in individuals affected with RYR3-related conditions. This variant is present in population databases (rs202140253, gnomAD 0.04%). This sequence change replaces arginine, which is basic and polar, with histidine, which is basic and polar, at codon 4010 of the RYR3 protein (p.Arg4010His).

Revvity Omics, Revvity
Classification: Uncertain significance for Congenital myopathy 20. Last evaluated: 2019-01-25. Review status: criteria provided, single submitter. Criteria: ACMG Guidelines, 2015. Collection method: clinical testing. Allele origin: germline.